The following is an entry in ClinVar:

ClinVar aggregate classification (germline): Conflicting classifications of pathogenicity. Review status: criteria provided, conflicting classifications (1 of 4 stars). 3 submissions from 3 submitters: Uncertain significance (2); Likely benign (1). Last evaluated 2023-01-10.

Conditions:
Inborn genetic diseases. Identifiers: MedGen C0950123, MeSH D030342.
Imerslund-Grasbeck syndrome. Also called: ENTEROCYTE COBALAMIN MALABSORPTION; ENTEROCYTE INTRINSIC FACTOR RECEPTOR, DEFECT OF; PERNICIOUS ANEMIA, JUVENILE, DUE TO SELECTIVE INTESTINAL MALABSORPTION OF VITAMIN B12, WITH PROTEINURIA; Imerslund-Gräsbeck syndrome; Megaloblastic anemia due to inborn errors of metabolism. Identifiers: Orphanet 35858, MedGen C4551825, MONDO:0009853.

Allele frequency attached by ClinVar (database versions not stated): gnomAD 0.00002; ExAC 0.00003; gnomAD exomes 0.00003 and 0.00004; TOPMed 0.00006.
gnomAD v4.1: 64 of 1,612,686 alleles (0.004%); highest among the groups gnomAD compares: Middle Eastern, 0.016%; no homozygotes.

Submissions (3):

Blueprint Genetics
Classification: Likely benign. Last evaluated: 2023-01-10. Review status: criteria provided, single submitter. Criteria: ACMG Guidelines, 2015. Collection method: clinical testing. Allele origin: germline.

Labcorp Genetics (formerly Invitae), Labcorp
Classification: Uncertain significance for Imerslund-Grasbeck syndrome. Last evaluated: 2022-07-05. Review status: criteria provided, single submitter. Criteria: Invitae Variant Classification Sherloc (09022015). Collection method: clinical testing. Allele origin: germline.
Comment: This sequence change replaces serine, which is neutral and polar, with asparagine, which is neutral and polar, at codon 37 of the AMN protein (p.Ser37Asn). This variant is present in population databases (rs200648108, gnomAD 0.006%). This variant has not been reported in the literature in individuals affected with AMN-related conditions. ClinVar contains an entry for this variant (Variation ID: 1402658). Algorithms developed to predict the effect of missense changes on protein structure and function output the following: SIFT: "Tolerated"; PolyPhen-2: "Benign"; Align-GVGD: "Class C0". The asparagine amino acid residue is found in multiple mammalian species, which suggests that this missense change does not adversely affect protein function. In summary, the available evidence is currently insufficient to determine the role of this variant in disease. Therefore, it has been classified as a Variant of Uncertain Significance.

Ambry Genetics
Classification: Uncertain significance for Inborn genetic diseases. Last evaluated: 2021-10-18. Review status: criteria provided, single submitter. Criteria: Ambry Variant Classification Scheme 2023. Collection method: clinical testing. Allele origin: germline.

NM_030943.4(AMN):c.110G>A (p.Ser37Asn)

Gene: AMN (amnion associated transmembrane protein; plus strand). Cytogenetic location: 14q32.32.
Variant type: single nucleotide variant.
Coding change: c.110G>A on transcript NM_030943.4 (MANE Select); coding-DNA position 110, G replaced by A.
Protein change: p.Ser37Asn; replaces serine 37 with asparagine.
Molecular consequence: missense variant.
Genome position (GRCh38, 1-based): chr14:102,923,777, G>A. VCF-style: chr14-102923777-G-A. GRCh37 (hg19) VCF-style: chr14-103390114-G-A.
Other names: c.110G>A (NM_030943.3); short protein forms S37N.
Identifiers: ClinVar variation 1402658 (VCV001402658.5), dbSNP rs200648108, ClinGen allele CA7359733.
Genomic context (GRCh38, chr14:102,923,777, plus strand): 5'-CCCAGGCGGTCTCCAAACTCTGGGTCCCCAACACGGACTTCGACGTCGCAGCCAACTGGA[G>A]CCAGAACCGGACCCCGTGCGCCGGCGGCGCCGTTGAGTTCCCGGCGGACAAGGTGCCTGG-3'
Protein context (NP_112205.2, residues 27-47): NTDFDVAANW[Ser37Asn]QNRTPCAGGA